The following is an entry in ClinVar:

ClinVar aggregate classification (germline): Likely benign (0 of 4 stars; one submission).

Conditions:
CTCF-related disorder. Also called: CTCF-related condition. Identifiers: MedGen CN381101.

Submission:

PreventionGenetics, part of Exact Sciences
Classification: Likely benign for CTCF-related condition. Last evaluated: 2019-03-20. Review status: no assertion criteria provided. Collection method: clinical testing. Allele origin: germline.
Comment: This variant is classified as likely benign based on ACMG/AMP sequence variant interpretation guidelines (Richards et al. 2015 PMID: 25741868, with internal and published modifications).

NM_006565.4(CTCF):c.1358-8G>A

Gene: CTCF (CCCTC-binding factor; plus strand). Cytogenetic location: 16q22.1.
Variant type: single nucleotide variant.
Coding change: c.1358-8G>A on transcript NM_006565.4 (MANE Select); 8 bases into the intron before coding-DNA position 1358, G replaced by A.
Molecular consequence: intron variant.
Genome position (GRCh38, 1-based): chr16:67,626,547, G>A. VCF-style: chr16-67626547-G-A. GRCh37 (hg19) VCF-style: chr16-67660450-G-A.
Other names: c.1358-8G>A (NM_001438969.1, NM_001438968.1, NM_001363916.2); c.374-8G>A (NM_001191022.2).
Identifiers: ClinVar variation 3058090 (VCV003058090.2), dbSNP rs2543484387, ClinGen allele CA2633804648.